The following is an entry in ClinVar:

ClinVar aggregate classification (germline): Uncertain significance (1 of 4 stars; one submission).

Conditions:
Severe combined immunodeficiency, autosomal recessive, T cell-negative, B cell-negative, NK cell-positive. Also called: Severe combined immunodeficiency due to complete RAG1/2 deficiency; SCID, T CELL-NEGATIVE, B CELL-NEGATIVE, NK CELL-POSITIVE; SCID, AR, T-cell negative, B-cell negative, NK cell-positive. Identifiers: Orphanet 331206, MedGen C1832322, MONDO:0011086, OMIM 601457.
Combined immunodeficiency with skin granulomas. Identifiers: Orphanet 157949, MedGen C2673536, MONDO:0009306, OMIM 233650.

Submission:

Labcorp Genetics (formerly Invitae), Labcorp
Classification: Uncertain significance for Combined immunodeficiency with skin granulomas; Severe combined immunodeficiency, autosomal recessive, T cell-negative, B cell-negative, NK cell-positive. Last evaluated: 2022-04-30. Review status: criteria provided, single submitter. Criteria: Invitae Variant Classification Sherloc (09022015). Collection method: clinical testing. Allele origin: germline.
Comment: In summary, the available evidence is currently insufficient to determine the role of this variant in disease. Therefore, it has been classified as a Variant of Uncertain Significance. Advanced modeling of protein sequence and biophysical properties (such as structural, functional, and spatial information, amino acid conservation, physicochemical variation, residue mobility, and thermodynamic stability) performed at Invitae indicates that this missense variant is not expected to disrupt RAG1 protein function. This variant has not been reported in the literature in individuals affected with RAG1-related conditions. This variant is not present in population databases (gnomAD no frequency). This sequence change replaces alanine, which is neutral and non-polar, with threonine, which is neutral and polar, at codon 217 of the RAG1 protein (p.Ala217Thr).

NM_000448.3(RAG1):c.649G>A (p.Ala217Thr)

Gene: RAG1 (recombination activating 1; plus strand). Cytogenetic location: 11p12.
Variant type: single nucleotide variant.
Coding change: c.649G>A on transcript NM_000448.3 (MANE Select); coding-DNA position 649, G replaced by A.
Protein change: p.Ala217Thr; replaces alanine 217 with threonine.
Molecular consequence: missense variant.
Genome position (GRCh38, 1-based): chr11:36,573,953, G>A. VCF-style: chr11-36573953-G-A. GRCh37 (hg19) VCF-style: chr11-36595503-G-A.
Other names: c.649G>A, p.Ala217Thr (NM_001377277.1, NM_001377278.1, NM_001377279.1 and 1 more transcripts); short protein forms A217T.
Identifiers: ClinVar variation 2132370 (VCV002132370.4), dbSNP rs2494752547, ClinGen allele CA380149276.